The following is an entry in ClinVar:

ClinVar aggregate classification (germline): Uncertain significance (1 of 4 stars; one submission).

Conditions:
Hereditary cancer-predisposing syndrome. Also called: Neoplastic Syndromes, Hereditary; Tumor predisposition; Hereditary Cancer Syndrome; Hereditary neoplastic syndrome. Identifiers: Orphanet 140162, MedGen C0027672, MeSH D009386, MONDO:0015356.

Submission:

Ambry Genetics
Classification: Uncertain significance for Hereditary cancer-predisposing syndrome. Last evaluated: 2025-12-17. Review status: criteria provided, single submitter. Criteria: Ambry Variant Classification Scheme 2023. Collection method: clinical testing. Allele origin: germline.
Comment: The p.D364E variant (also known as c.1092C>A), located in coding exon 9 of the APC gene, results from a C to A substitution at nucleotide position 1092. The aspartic acid at codon 364 is replaced by glutamic acid, an amino acid with highly similar properties. This amino acid position is conserved. In addition, in silico predictors for this gene do not accurately predict pathogenicity. Based on the available evidence, the clinical significance of this variant remains unclear.

NM_000038.6(APC):c.1092C>A (p.Asp364Glu)

Gene: APC (APC regulator of Wnt signaling pathway; plus strand). Cytogenetic location: 5q22.2.
Variant type: single nucleotide variant.
Coding change: c.1092C>A on transcript NM_000038.6 (MANE Select); coding-DNA position 1092, C replaced by A.
Protein change: p.Asp364Glu; replaces aspartic acid 364 with glutamic acid.
Molecular consequence: missense variant. On other transcripts: non-coding transcript variant (2), intron variant (15).
Genome position (GRCh38, 1-based): chr5:112,819,124, C>A. VCF-style: chr5-112819124-C-A. GRCh37 (hg19) VCF-style: chr5-112154821-C-A.
Other names: c.1092C>A, p.Asp364Glu (NM_001407448.1, NM_001407449.1, NM_001407450.1 and 4 more transcripts); c.1017C>A, p.Asp339Glu (NM_001407451.1, NM_001354898.2); c.1008C>A, p.Asp336Glu (NM_001407452.1, NM_001354899.2); c.915C>A, p.Asp305Glu (NM_001407453.1, NM_001354900.2, NM_001354901.2); c.243C>A, p.Asp81Glu (NM_001407470.1, NM_001354906.2); c.85-145C>A (NM_001407472.1, NM_001407471.1); c.934-145C>A (NM_001407456.1, NM_001407460.1, NM_001407457.1 and 5 more transcripts); c.1038C>A, p.Asp346Glu (NM_001127511.3); and 5 more; short protein forms D339E, D374E, D81E, D305E, D364E, D336E, D346E.
Identifiers: ClinVar variation 4843515 (VCV004843515.1).